The following is an entry in ClinVar:

NM_206933.4(USH2A):c.8780G>C (p.Arg2927Thr)

Gene: USH2A (usherin; minus strand). Cytogenetic location: 1q41.
Variant type: single nucleotide variant.
Coding change: c.8780G>C on transcript NM_206933.4 (MANE Select); coding-DNA position 8780, G replaced by C.
Protein change: p.Arg2927Thr; replaces arginine 2927 with threonine.
Molecular consequence: missense variant.
Genome position (GRCh38, 1-based): chr1:215,867,072, C>G on the plus strand (G>C on the coding strand, the complement: USH2A is on the minus strand). VCF-style: chr1-215867072-C-G. GRCh37 (hg19) VCF-style: chr1-216040414-C-G.
Other names: short protein forms R2927T.
Identifiers: ClinVar variation 2799505 (VCV002799505.3), dbSNP rs936841573, ClinGen allele CA344851264.

ClinVar aggregate classification (germline): Uncertain significance (1 of 4 stars; one submission).

Submission:

Labcorp Genetics (formerly Invitae), Labcorp
Classification: Uncertain significance. Last evaluated: 2023-10-08. Review status: criteria provided, single submitter. Criteria: Invitae Variant Classification Sherloc (09022015). Collection method: clinical testing. Allele origin: germline.
Comment: This sequence change replaces arginine, which is basic and polar, with threonine, which is neutral and polar, at codon 2927 of the USH2A protein (p.Arg2927Thr). This variant is not present in population databases (gnomAD no frequency). This variant has not been reported in the literature in individuals affected with USH2A-related conditions. Advanced modeling of protein sequence and biophysical properties (such as structural, functional, and spatial information, amino acid conservation, physicochemical variation, residue mobility, and thermodynamic stability) performed at Invitae indicates that this missense variant is not expected to disrupt USH2A protein function. In summary, the available evidence is currently insufficient to determine the role of this variant in disease. Therefore, it has been classified as a Variant of Uncertain Significance.